The following is an entry in ClinVar:

ClinVar aggregate classification (germline): Likely benign (1 of 4 stars; one submission).

Conditions:
Hereditary diffuse gastric adenocarcinoma (HDGC). Also called: DIFFUSE GASTRIC AND LOBULAR BREAST CANCER SYNDROME. Identifiers: Orphanet 26106, MedGen C1708349, MONDO:0007648, OMIM 137215.

Submission:

Myriad Genetics, Inc.
Classification: Likely benign for Hereditary diffuse gastric adenocarcinoma. Last evaluated: 2024-10-09. Review status: criteria provided, single submitter. Criteria: Myriad Autosomal Dominant, Autosomal Recessive and X-Linked Classification Criteria (2023). Collection method: clinical testing. Allele origin: unknown.
Comment: This variant is considered likely benign. This variant is intronic and is not expected to impact mRNA splicing.

NM_001903.5(CTNNA1):c.-2-16T>C

Gene: CTNNA1 (catenin alpha 1; plus strand). Cytogenetic location: 5q31.2.
Variant type: single nucleotide variant.
Coding change: c.-2-16T>C on transcript NM_001903.5 (MANE Select); 16 bases into the intron before 2 bases upstream of the start codon, T replaced by C.
Molecular consequence: intron variant.
Genome position (GRCh38, 1-based): chr5:138,781,907, T>C. VCF-style: chr5-138781907-T-C. GRCh37 (hg19) VCF-style: chr5-138117596-T-C.
Other names: c.-2-16T>C (NM_001323982.2, NM_001323984.2, NM_001290307.3 and 3 more transcripts); c.-208-16T>C (NM_001290310.3); c.-115-16T>C (NM_001290309.3).
Identifiers: ClinVar variation 3773478 (VCV003773478.1).